The following is an entry in ClinVar:

NM_001384732.1(CPLANE1):c.6051T>C (p.Ala2017=)

Gene: CPLANE1 (ciliogenesis and planar polarity effector complex subunit 1; minus strand). Cytogenetic location: 5p13.2.
Variant type: single nucleotide variant.
Coding change: c.6051T>C on transcript NM_001384732.1 (MANE Select); coding-DNA position 6051, T replaced by C.
Protein change: p.Ala2017=; no amino-acid change (alanine 2017 retained).
Molecular consequence: synonymous variant.
Genome position (GRCh38, 1-based): chr5:37,173,875, A>G on the plus strand (T>C on the coding strand, the complement: CPLANE1 is on the minus strand). VCF-style: chr5-37173875-A-G. GRCh37 (hg19) VCF-style: chr5-37173977-A-G.
Other names: p.Ala2017=; c.6051T>C, p.Ala2017= (NM_023073.4).
Identifiers: ClinVar variation 158047 (VCV000158047.22), dbSNP rs61746147, ClinGen allele CA171453.
Genomic context (GRCh38, chr5:37,173,875, plus strand): 5'-TAACTGAGCCGTGAATTCATTTCTCTGGGTCTTCTGAGGTGTTGGAGCAGGTGGTTGTGA[A>G]GCAACATTGACTCCATTTGATATCAGAAGTGGAACTGAGGAAGATTTTTCTTTATATGTA-3'
Protein context (NP_001371661.1, residues 2007-2027): PLLISNGVNV[Ala2017=]SQPPAPTPQK

ClinVar aggregate classification (germline): Benign. Review status: criteria provided, multiple submitters, no conflicts (2 of 4 stars). 7 submissions from 7 submitters: Benign (6). 1 of the submissions does not count toward it. Last evaluated 2026-02-04.

Conditions:
Joubert syndrome 17 (JBTS17). Identifiers: Orphanet 475, MedGen C3553264, MONDO:0013824, OMIM 614615.

Allele frequency attached by ClinVar (database versions not stated): gnomAD exomes 0.00202 and 0.00549; ExAC 0.00690; gnomAD 0.02162 and 0.02316; TOPMed 0.02388; 1000 Genomes Project 30x 0.02389; 1000 Genomes Project 0.02436; ESP Exome Variant Server 0.02637.

Submissions (7):

Labcorp Genetics (formerly Invitae), Labcorp
Classification: Benign. Last evaluated: 2026-02-04. Review status: criteria provided, single submitter. Criteria: Invitae Variant Classification Sherloc (09022015). Collection method: clinical testing. Allele origin: germline.

Mayo Clinic Laboratories, Mayo Clinic
Classification: Benign. Last evaluated: 2023-04-03. Review status: criteria provided, single submitter. Criteria: ACMG Guidelines, 2015. Collection method: clinical testing. Allele origin: germline. Observed: 3 variant alleles.

Illumina Laboratory Services, Illumina
Classification: Benign for Joubert syndrome 17. Last evaluated: 2018-01-13. Review status: criteria provided, single submitter. Criteria: ICSL Variant Classification Criteria 13 December 2019. Collection method: clinical testing. Allele origin: germline.
Comment: This variant was observed in the ICSL laboratory as part of a predisposition screen in an ostensibly healthy population. It had not been previously curated by ICSL or reported in the Human Gene Mutation Database (HGMD: prior to June 1st, 2018), and was therefore a candidate for classification through an automated scoring system. Utilizing variant allele frequency, disease prevalence and penetrance estimates, and inheritance mode, an automated score was calculated to assess if this variant is too frequent to cause the disease. Based on the score and internal cut-off values, a variant classified as benign is not then subjected to further curation. The score for this variant resulted in a classification of benign for this disease.

GeneDx
Classification: Benign. Last evaluated: 2016-10-03. Review status: criteria provided, single submitter. Criteria: GeneDx Variant Classification (06012015). Collection method: clinical testing. Allele origin: germline. Affected: yes.
Comment: This variant is considered likely benign or benign based on one or more of the following criteria: it is a conservative change, it occurs at a poorly conserved position in the protein, it is predicted to be benign by multiple in silico algorithms, and/or has population frequency not consistent with disease.

Breakthrough Genomics
Classification: Benign. Review status: criteria provided, single submitter. Criteria: ACMG Guidelines, 2015. Collection method: not provided. Allele origin: germline. Inheritance: Autosomal recessive inheritance. Affected: yes.

PreventionGenetics, part of Exact Sciences
Classification: Benign. Review status: criteria provided, single submitter. Criteria: ACMG Guidelines, 2015. Collection method: clinical testing. Allele origin: germline.

Genetic Services Laboratory, University of Chicago
Classification: Likely benign. Review status: no assertion criteria provided. Collection method: clinical testing. Allele origin: germline. Inheritance: Autosomal recessive inheritance. Not counted in ClinVar's aggregate classification.
Comment: Likely benign based on allele frequency in 1000 Genomes Project or ESP global frequency and its presence in a patient with a rare or unrelated disease phenotype. NOT Sanger confirmed